The following is an entry in ClinVar:

ClinVar aggregate classification (germline): not provided (0 of 4 stars; one submission).

Conditions:
Familial long QT syndrome (RWS). Also called: Congenital long QT syndrome; Romano-Ward syndrome; VENTRICULAR FIBRILLATION WITH PROLONGED QT INTERVAL. Identifiers: Orphanet 768, MedGen C1141890, MONDO:0019171.

Submission:

Cardiovascular Biomedical Research Unit, Royal Brompton & Harefield NHS Foundation Trust
No classification provided. Condition: Familial long QT syndrome. Review status: no classification provided. Collection method: literature only. Allele origin: germline.
Comment: This variant has been reported as associated with Long QT syndrome in the following publications (PMID:11222472;PMID:11854117;PMID:15840476). This is a literature report, and does not necessarily reflect the clinical interpretation of the Imperial College / Royal Brompton Cardiovascular Genetics laboratory.

Literature cited by the submitters: PubMed 11222472; PubMed 11854117; PubMed 15840476; PubMed 22581653.

NM_000238.4(KCNH2):c.77G>T (p.Ser26Ile)

Gene: KCNH2 (potassium voltage-gated channel subfamily H member 2; minus strand). Cytogenetic location: 7q36.1.
Variant type: single nucleotide variant.
Coding change: c.77G>T on transcript NM_000238.4 (MANE Select); coding-DNA position 77, G replaced by T.
Protein change: p.Ser26Ile; replaces serine 26 with isoleucine.
Molecular consequence: missense variant.
Genome position (GRCh38, 1-based): chr7:150,974,941, C>A on the plus strand (G>T on the coding strand, the complement: KCNH2 is on the minus strand). VCF-style: chr7-150974941-C-A. GRCh37 (hg19) VCF-style: chr7-150672029-C-A.
Other names: c.77G>T (LRG_288t1); c.77G>T, p.Ser26Ile (NM_172056.3); c.-101G>T (NM_001406755.1); short protein forms S26I.
Identifiers: ClinVar variation 67528 (VCV000067528.3), dbSNP rs199472827, ClinGen allele CA008810.